The following is an entry in ClinVar:

NM_006796.3(AFG3L2):c.581G>A (p.Arg194His)

Gene: AFG3L2 (AFG3 like matrix AAA peptidase subunit 2; minus strand). Cytogenetic location: 18p11.21.
Variant type: single nucleotide variant.
Coding change: c.581G>A on transcript NM_006796.3 (MANE Select); coding-DNA position 581, G replaced by A.
Protein change: p.Arg194His; replaces arginine 194 with histidine.
Molecular consequence: missense variant.
Genome position (GRCh38, 1-based): chr18:12,363,828, C>T on the plus strand (G>A on the coding strand, the complement: AFG3L2 is on the minus strand). VCF-style: chr18-12363828-C-T. GRCh37 (hg19) VCF-style: chr18-12363827-C-T.
Other names: short protein forms R194H.
Identifiers: ClinVar variation 4754290 (VCV004754290.3).

ClinVar aggregate classification (germline): Uncertain significance. Review status: criteria provided, multiple submitters, no conflicts (2 of 4 stars). 3 submissions from 3 submitters: Uncertain significance (3). Last evaluated 2026-03-30.

gnomAD v4.1: 104 of 1,613,196 alleles (0.0064%); highest among the groups gnomAD compares: Non-Finnish European, 0.0079%; no homozygotes.

Submissions (3):

GeneDx
Classification: Uncertain significance. Last evaluated: 2026-03-30. Review status: criteria provided, single submitter. Criteria: GeneDx Variant Classification Process June 2021. Collection method: clinical testing. Allele origin: germline.
Comment: In silico analysis suggests that this missense variant does not alter protein structure/function; Has not been previously published as pathogenic or benign to our knowledge

Labcorp Genetics (formerly Invitae), Labcorp
Classification: Uncertain significance. Last evaluated: 2025-09-21. Review status: criteria provided, single submitter. Criteria: Invitae Variant Classification Sherloc (09022015). Collection method: clinical testing. Allele origin: germline.
Comment: This sequence change replaces arginine, which is basic and polar, with histidine, which is basic and polar, at codon 194 of the AFG3L2 protein (p.Arg194His). This variant is present in population databases (rs148364117, gnomAD 0.006%). This variant has not been reported in the literature in individuals affected with AFG3L2-related conditions. Invitae Evidence Modeling of protein sequence and biophysical properties (such as structural, functional, and spatial information, amino acid conservation, physicochemical variation, residue mobility, and thermodynamic stability) indicates that this missense variant is not expected to disrupt AFG3L2 protein function with a negative predictive value of 95%. In summary, the available evidence is currently insufficient to determine the role of this variant in disease. Therefore, it has been classified as a Variant of Uncertain Significance.

Blueprint Genetics
Classification: Uncertain significance. Last evaluated: 2018-09-25. Review status: criteria provided, single submitter. Criteria: ACMG Guidelines, 2015. Collection method: clinical testing. Allele origin: germline.